The following is an entry in ClinVar:

ClinVar aggregate classification (germline): Uncertain significance (1 of 4 stars; one submission).

Submission:

Labcorp Genetics (formerly Invitae), Labcorp
Classification: Uncertain significance. Last evaluated: 2025-10-21. Review status: criteria provided, single submitter. Criteria: Invitae Variant Classification Sherloc (09022015). Collection method: clinical testing. Allele origin: germline.
Comment: This sequence change replaces alanine, which is neutral and non-polar, with threonine, which is neutral and polar, at codon 81 of the MRPS16 protein (p.Ala81Thr). This variant is not present in population databases (gnomAD no frequency). This variant has not been reported in the literature in individuals affected with MRPS16-related conditions. ClinVar contains an entry for this variant (Variation ID: 2073710). An algorithm developed to predict the effect of missense changes on protein structure and function (PolyPhen-2) suggests that this variant is likely to be disruptive. In summary, the available evidence is currently insufficient to determine the role of this variant in disease. Therefore, it has been classified as a Variant of Uncertain Significance.

NM_016065.4(MRPS16):c.241G>A (p.Ala81Thr)

Genes: DNAJC9-AS1 (DNAJC9 and MRPS16 antisense RNA 1; plus strand), MRPS16 (mitochondrial ribosomal protein S16; minus strand). Cytogenetic location: 10q22.2.
Variant type: single nucleotide variant.
Coding change: c.241G>A on transcript NM_016065.4 (MANE Select); coding-DNA position 241, G replaced by A.
Protein change: p.Ala81Thr; replaces alanine 81 with threonine.
Molecular consequence: missense variant.
Genome position (GRCh38, 1-based): chr10:73,251,796, C>T on the plus strand (G>A on the coding strand, the complement: MRPS16 is on the minus strand). VCF-style: chr10-73251796-C-T. GRCh37 (hg19) VCF-style: chr10-75011554-C-T.
Other names: c.241G>A, p.Ala81Thr (NM_001410935.1); short protein forms A81T.
Identifiers: ClinVar variation 2073710 (VCV002073710.4), dbSNP rs2493360481, ClinGen allele CA377192939.
Genomic context (GRCh38, chr10:73,251,796, plus strand): 5'-AATAAGGTAAGACCAGAGCTGAGTTACCCAGAAGCTTTTCCATAGGCTTAGAGAGGTGGG[C>T]CCCGCAGCCAATCCAATGACGGATCCTGTCTAGGTTGAGGGCAACGAGTTTTTCTCCATG-3'
Protein context (NP_057149.1, residues 71-91): DRIRHWIGCG[Ala81Thr]HLSKPMEKLL